The following is an entry in ClinVar:

ClinVar aggregate classification (germline): Conflicting classifications of pathogenicity. Review status: criteria provided, conflicting classifications (1 of 4 stars). 3 submissions from 3 submitters: Pathogenic (1); Likely pathogenic (1); Uncertain significance (1). Last evaluated 2023-06-09.

Conditions:
Microcephalic primordial dwarfism, Alazami type. Also called: FACIAL DYSMORPHISM, INTELLECTUAL DISABILITY, AND PRIMORDIAL DWARFISM; Alazami syndrome. Identifiers: Orphanet 319671, MedGen C3554439, MONDO:0014031, OMIM 615071.

Submissions (3):

Labcorp Genetics (formerly Invitae), Labcorp
Classification: Pathogenic. Last evaluated: 2023-06-09. Review status: criteria provided, single submitter. Criteria: Invitae Variant Classification Sherloc (09022015). Collection method: clinical testing. Allele origin: germline.
Comment: This variant is present in population databases (rs755439936, gnomAD 0.008%). For these reasons, this variant has been classified as Pathogenic. This variant disrupts a region of the LARP7 protein in which other variant(s) (c.1669-1_1671delGTTA) have been determined to be pathogenic (PMID: 32017898). This suggests that this is a clinically significant region of the protein, and that variants that disrupt it are likely to be disease-causing. ClinVar contains an entry for this variant (Variation ID: 422201). This variant has not been reported in the literature in individuals affected with LARP7-related conditions. This sequence change creates a premature translational stop signal (p.Ala542Asnfs*15) in the LARP7 gene. While this is not anticipated to result in nonsense mediated decay, it is expected to disrupt the last 41 amino acid(s) of the LARP7 protein.

Department of Pathology and Laboratory Medicine, Sinai Health System
Classification: Uncertain significance for Microcephalic primordial dwarfism, Alazami type. Last evaluated: 2023-04-24. Review status: criteria provided, single submitter. Criteria: ACMG Guidelines, 2015. Collection method: research. Allele origin: germline.

GeneDx
Classification: Likely pathogenic. Last evaluated: 2020-01-27. Review status: criteria provided, single submitter. Criteria: GeneDx Variant Classification Process June 2021. Collection method: clinical testing. Allele origin: germline. Affected: yes.
Comment: Frameshift variant predicted to result in protein truncation as the last 41amino acids are lost and replaced with 14 incorrect amino acids, although loss-of-function variants have not been reported downstream of this position in the protein; Not observed at a significant frequency in large population cohorts (Lek et al., 2016)

Literature cited by the submitters: PubMed 32017898 (cited by Labcorp Genetics (formerly Invitae), Labcorp).

NM_016648.4(LARP7):c.1620_1623del (p.Ala542fs)

Gene: LARP7 (La ribonucleoprotein 7, transcriptional regulator; plus strand). Cytogenetic location: 4q25.
Variant type: Deletion.
Coding change: c.1620_1623del on transcript NM_016648.4 (MANE Select); coding-DNA positions 1620 to 1623, 4 bases deleted (ACAG; older notation c.1620_1623delACAG).
Protein change: p.Ala542fs; shifts the reading frame from alanine 542.
Molecular consequence: frameshift variant.
Genome position (GRCh38, 1-based): chr4:112,654,111-112,654,114, ACAG deleted; deleting any 4 consecutive bases within chr4:112,654,109-112,654,114 gives the same sequence; the c. name uses the placement nearest the transcript's 3' end. VCF-style (leftmost placement, unchanged base first): chr4-112654108-TAGAC-T. GRCh37 (hg19) VCF-style: chr4-113575264-TAGAC-T.
Other names: c.1620_1623delACAG (NM_016648.3); c.1620_1623del, p.Ala542fs (NM_001267039.4, NM_001370978.1, NM_015454.3); c.1659_1662del, p.Ala555fs (NM_001370974.1, NM_001370975.1); c.1656_1659del, p.Ala554fs (NM_001370976.1, NM_001370977.1); c.1617_1620del, p.Ala541fs (NM_001370979.1, NM_001370980.1); c.1383_1386del, p.Ala463fs (NM_001370981.1, NM_001370982.1); short protein forms A542fs, A463fs, A541fs, A554fs, A555fs.
Identifiers: ClinVar variation 422201 (VCV000422201.9), dbSNP rs755439936, ClinGen allele CA16618024.